The following is an entry in ClinVar:

ClinVar aggregate classification (germline): Uncertain significance (1 of 4 stars; one submission).

Conditions:
Cystic fibrosis (CF). Also called: MUCOVISCIDOSIS. Identifiers: Orphanet 586, MedGen C0010674, MONDO:0009061, OMIM 219700. Disease mechanism: loss of function.

Submission:

Ambry Genetics
Classification: Uncertain significance for Cystic fibrosis. Last evaluated: 2022-09-23. Review status: criteria provided, single submitter. Criteria: Ambry Variant Classification Scheme 2023. Collection method: clinical testing. Allele origin: germline.
Comment: The p.L761I variant (also known as c.2281C>A), located in coding exon 14 of the CFTR gene, results from a C to A substitution at nucleotide position 2281. The leucine at codon 761 is replaced by isoleucine, an amino acid with highly similar properties. This amino acid position is conserved. In addition, this alteration is predicted to be tolerated by in silico analysis. Since supporting evidence is limited at this time, the clinical significance of this alteration remains unclear.

NM_000492.4(CFTR):c.2281C>A (p.Leu761Ile)

Gene: CFTR (CF transmembrane conductance regulator; plus strand). Cytogenetic location: 7q31.2.
Variant type: single nucleotide variant.
Coding change: c.2281C>A on transcript NM_000492.4 (MANE Select); coding-DNA position 2281, C replaced by A.
Protein change: p.Leu761Ile; replaces leucine 761 with isoleucine.
Molecular consequence: missense variant.
Genome position (GRCh38, 1-based): chr7:117,592,448, C>A. VCF-style: chr7-117592448-C-A. GRCh37 (hg19) VCF-style: chr7-117232502-C-A.
Other names: short protein forms L761I.
Identifiers: ClinVar variation 1788945 (VCV001788945.2), dbSNP rs2485110434, ClinGen allele CA368980815.